The following is an entry in ClinVar:

NM_173560.4(RFX6):c.609T>G (p.Tyr203Ter)

Gene: RFX6 (regulatory factor X6; plus strand). Cytogenetic location: 6q22.1.
Variant type: single nucleotide variant.
Coding change: c.609T>G on transcript NM_173560.4 (MANE Select); coding-DNA position 609, T replaced by G.
Protein change: p.Tyr203Ter; replaces tyrosine 203 with a stop codon.
Molecular consequence: nonsense.
Genome position (GRCh38, 1-based): chr6:116,894,029, T>G. VCF-style: chr6-116894029-T-G. GRCh37 (hg19) VCF-style: chr6-117215192-T-G.
Other names: short protein forms Y203*.
Identifiers: ClinVar variation 3654949 (VCV003654949.2).
Genomic context (GRCh38, chr6:116,894,029, plus strand): 5'-TTCCTGTCTTTGCTCTAGGTATCATTACTATGGGATTGGCATCAAAGAGAGCAGTGCATA[T>G]TACCACTCCGTTTATTCTGGAAAGGGCTTGACAAGGTAGAGTTACACCATCTTCAAGACA-3'

ClinVar aggregate classification (germline): Pathogenic (1 of 4 stars; one submission).

Submission:

Labcorp Genetics (formerly Invitae), Labcorp
Classification: Pathogenic. Last evaluated: 2024-05-29. Review status: criteria provided, single submitter. Criteria: Invitae Variant Classification Sherloc (09022015). Collection method: clinical testing. Allele origin: germline.
Comment: This sequence change creates a premature translational stop signal (p.Tyr203*) in the RFX6 gene. It is expected to result in an absent or disrupted protein product. Loss-of-function variants in RFX6 are known to be pathogenic (PMID: 20148032). This variant is not present in population databases (gnomAD no frequency). This variant has not been reported in the literature in individuals affected with RFX6-related conditions. Algorithms developed to predict the effect of sequence changes on RNA splicing suggest that this variant may disrupt the consensus splice site. For these reasons, this variant has been classified as Pathogenic.

Literature cited by the submitters: PubMed 20148032.